The following is an entry in ClinVar:

ClinVar aggregate classification (germline): Likely benign. Review status: criteria provided, multiple submitters, no conflicts (2 of 4 stars). 2 submissions from 2 submitters: Likely benign (2). Last evaluated 2026-08-13.

Conditions:
SCN11A-related disorder. Also called: SCN11A-related condition.
Hereditary sensory and autonomic neuropathy type 7. Also called: Neuropathy, hereditary sensory and autonomic, type VII; HSAN VII. Identifiers: Orphanet 391397, MedGen C3809882, MONDO:0014244, OMIM 615548.
Familial episodic pain syndrome with predominantly lower limb involvement. Also called: Episodic pain syndrome, familial, 3. Identifiers: Orphanet 391384, Orphanet 391392, MedGen C3809899, MONDO:0014247, OMIM 615552.

Allele frequency attached by ClinVar (database versions not stated): gnomAD exomes 0.00004; ExAC 0.00005; gnomAD 0.00008 and 0.00009; TOPMed 0.00009; ESP Exome Variant Server 0.00023.
gnomAD v4.1: 28 of 1,614,050 alleles (0.0017%); highest among the groups gnomAD compares: African/African-American, 0.033%; no homozygotes.

Submissions (2):

PreventionGenetics, part of Exact Sciences
Classification: Likely benign for SCN11A-related condition. Last evaluated: 2026-08-13. Review status: criteria provided, single submitter. Criteria: ACMG Guidelines, 2015. Collection method: clinical testing. Allele origin: germline.
Comment: This variant is classified as likely benign based on ACMG/AMP sequence variant interpretation guidelines (Richards et al. 2015 PMID: 25741868, with internal and published modifications).

Labcorp Genetics (formerly Invitae), Labcorp
Classification: Likely benign for Familial episodic pain syndrome with predominantly lower limb involvement; Hereditary sensory and autonomic neuropathy type 7. Last evaluated: 2025-08-06. Review status: criteria provided, single submitter. Criteria: Invitae Variant Classification Sherloc (09022015). Collection method: clinical testing. Allele origin: germline.

NM_001349253.2(SCN11A):c.4665C>G (p.Ser1555=)

Gene: SCN11A (sodium voltage-gated channel alpha subunit 11; minus strand). Cytogenetic location: 3p22.2.
Variant type: single nucleotide variant.
Coding change: c.4665C>G on transcript NM_001349253.2 (MANE Select); coding-DNA position 4665, C replaced by G.
Protein change: p.Ser1555=; no amino-acid change (serine 1555 retained).
Molecular consequence: synonymous variant.
Genome position (GRCh38, 1-based): chr3:38,847,405, G>C on the plus strand (C>G on the coding strand, the complement: SCN11A is on the minus strand). VCF-style: chr3-38847405-G-C. GRCh37 (hg19) VCF-style: chr3-38888896-G-C.
Other names: c.4665C>G (NM_014139.2); c.4665C>G, p.Ser1555= (NM_014139.3).
Identifiers: ClinVar variation 1576521 (VCV001576521.9), dbSNP rs377350295, ClinGen allele CA2321473.